The following is an entry in ClinVar:

ClinVar aggregate classification (germline): Pathogenic (1 of 4 stars; one submission).

Conditions:
Glycogen storage disease, type IV (GSD4). Also called: BRANCHER DEFICIENCY; CIRRHOSIS, FAMILIAL, WITH DEPOSITION OF ABNORMAL GLYCOGEN; GBE1 DEFICIENCY; GLYCOGEN BRANCHING ENZYME DEFICIENCY; GLYCOGENOSIS IV; GSD IV. Identifiers: Orphanet 367, MedGen C0017923, MONDO:0009292, OMIM 232500.
Glycogen storage disease IV, classic hepatic. Also called: GSD IV, CLASSIC HEPATIC. Identifiers: MedGen C1856301.

Submission:

Labcorp Genetics (formerly Invitae), Labcorp
Classification: Pathogenic for Glycogen storage disease, type IV; Glycogen storage disease IV, classic hepatic. Last evaluated: 2021-11-08. Review status: criteria provided, single submitter. Criteria: Invitae Variant Classification Sherloc (09022015). Collection method: clinical testing. Allele origin: germline.
Comment: This sequence change creates a premature translational stop signal (p.Gln270_Glu271delinsHis*) in the GBE1 gene. It is expected to result in an absent or disrupted protein product. Loss-of-function variants in GBE1 are known to be pathogenic (PMID: 15452297, 20058079). Information on the frequency of this variant in the gnomAD database is not available, as this variant may be reported differently in the database. This variant has not been reported in the literature in individuals affected with GBE1-related conditions. For these reasons, this variant has been classified as Pathogenic.

Literature cited by the submitters: PubMed 15452297; PubMed 20058079.

NM_000158.4(GBE1):c.810_811delinsTT (p.Gln270_Glu271delinsHisTer)

Gene: GBE1 (1,4-alpha-glucan branching enzyme 1; minus strand). Cytogenetic location: 3p12.2.
Variant type: Indel.
Coding change: c.810_811delinsTT on transcript NM_000158.4 (MANE Select); coding-DNA positions 810 to 811, AG replaced by TT.
Protein change: p.Gln270_Glu271delinsHisTer.
Molecular consequence: nonsense.
Genome position (GRCh38, 1-based): chr3:81,642,962-81,642,963, CT replaced by AA on the plus strand (AG replaced by TT on the coding strand, the reverse complement: GBE1 is on the minus strand). VCF-style: chr3-81642962-CT-AA. GRCh37 (hg19) VCF-style: chr3-81692113-CT-AA.
Identifiers: ClinVar variation 1443192 (VCV001443192.6), dbSNP rs2107059792, ClinGen allele CA2573137464.